The following is an entry in ClinVar:

ClinVar aggregate classification (germline): Uncertain significance (1 of 4 stars; one submission).

Submission:

Ambry Genetics
Classification: Uncertain significance. Last evaluated: 2024-02-25. Review status: criteria provided, single submitter. Criteria: Ambry Variant Classification Scheme 2023. Collection method: clinical testing. Allele origin: germline.
Comment: The p.A242T variant (also known as c.724G>A), located in coding exon 7 of the RAD54L gene, results from a G to A substitution at nucleotide position 724. The alanine at codon 242 is replaced by threonine, an amino acid with similar properties. This amino acid position is conserved. In addition, the in silico prediction for this alteration is inconclusive. Based on the available evidence, the clinical significance of this alteration remains unclear.

NM_003579.4(RAD54L):c.724G>A (p.Ala242Thr)

Gene: RAD54L (RAD54 like; plus strand). Cytogenetic location: 1p34.1.
Variant type: single nucleotide variant.
Coding change: c.724G>A on transcript NM_003579.4 (MANE Select); coding-DNA position 724, G replaced by A.
Protein change: p.Ala242Thr; replaces alanine 242 with threonine.
Molecular consequence: missense variant.
Genome position (GRCh38, 1-based): chr1:46,260,973, G>A. VCF-style: chr1-46260973-G-A. GRCh37 (hg19) VCF-style: chr1-46726645-G-A.
Other names: c.724G>A, p.Ala242Thr (NM_001142548.2); c.184G>A, p.Ala62Thr (NM_001370766.1); short protein forms A242T, A62T.
Identifiers: ClinVar variation 3223457 (VCV003223457.1), dbSNP rs2525670309, ClinGen allele CA340187722.